The following is an entry in ClinVar:

NM_015346.4(ZFYVE26):c.5230A>T (p.Ile1744Phe)

Gene: ZFYVE26 (zinc finger FYVE-type containing 26; minus strand). Cytogenetic location: 14q24.1.
Variant type: single nucleotide variant.
Coding change: c.5230A>T on transcript NM_015346.4 (MANE Select); coding-DNA position 5230, A replaced by T.
Protein change: p.Ile1744Phe; replaces isoleucine 1744 with phenylalanine.
Molecular consequence: missense variant.
Genome position (GRCh38, 1-based): chr14:67,775,106, T>A on the plus strand (A>T on the coding strand, the complement: ZFYVE26 is on the minus strand). VCF-style: chr14-67775106-T-A. GRCh37 (hg19) VCF-style: chr14-68241823-T-A.
Other names: c.5230A>T (NM_015346.3); short protein forms I1744F.
Identifiers: ClinVar variation 1920124 (VCV001920124.3), dbSNP rs764937456, ClinGen allele CA7239556.

ClinVar aggregate classification (germline): Uncertain significance. Review status: criteria provided, multiple submitters, no conflicts (2 of 4 stars). 2 submissions from 2 submitters: Uncertain significance (2). Last evaluated 2025-05-07.

Conditions:
Spastic paraplegia. Identifiers: MedGen C0037772, HP:0001258.
Inborn genetic diseases. Identifiers: MedGen C0950123, MeSH D030342.

Allele frequency attached by ClinVar (database versions not stated): gnomAD exomes 0.00001; gnomAD 0.00001; ExAC 0.00002.
gnomAD v4.1: 18 of 1,608,682 alleles (0.0011%); highest among the groups gnomAD compares: Non-Finnish European, 0.0014%; no homozygotes.

Submissions (2):

Ambry Genetics
Classification: Uncertain significance for Inborn genetic diseases. Last evaluated: 2025-05-07. Review status: criteria provided, single submitter. Criteria: Ambry Variant Classification Scheme 2023. Collection method: clinical testing. Allele origin: germline.

Labcorp Genetics (formerly Invitae), Labcorp
Classification: Uncertain significance for Spastic paraplegia. Last evaluated: 2022-02-04. Review status: criteria provided, single submitter. Criteria: Invitae Variant Classification Sherloc (09022015). Collection method: clinical testing. Allele origin: germline.
Comment: This sequence change replaces isoleucine, which is neutral and non-polar, with phenylalanine, which is neutral and non-polar, at codon 1744 of the ZFYVE26 protein (p.Ile1744Phe). This variant is present in population databases (rs764937456, gnomAD 0.002%). This variant has not been reported in the literature in individuals affected with ZFYVE26-related conditions. Algorithms developed to predict the effect of missense changes on protein structure and function are either unavailable or do not agree on the potential impact of this missense change (SIFT: "Deleterious"; PolyPhen-2: "Benign"; Align-GVGD: "Class C0"). In summary, the available evidence is currently insufficient to determine the role of this variant in disease. Therefore, it has been classified as a Variant of Uncertain Significance.